The following is an entry in ClinVar:

ClinVar aggregate classification (germline): Conflicting classifications of pathogenicity. Review status: criteria provided, conflicting classifications (1 of 4 stars). 5 submissions from 5 submitters: Uncertain significance (3); Likely benign (1). 1 of the submissions does not count toward it. Last evaluated 2026-06-19.

Conditions:
Ataxia-telangiectasia syndrome (AT). Also called: AT, COMPLEMENTATION GROUP C; Ataxia-telangiectasia, complementation group E; ATAXIA-TELANGIECTASIA, COMPLEMENTATION GROUP A; ATAXIA-TELANGIECTASIA, FRESNO VARIANT; Ataxia-telangiectasia; LOUIS-BAR SYNDROME. Identifiers: Orphanet 100, MedGen C0004135, MONDO:0008840, OMIM 208900.
Hereditary cancer-predisposing syndrome. Also called: Tumor predisposition; Hereditary Cancer Syndrome; Neoplastic Syndromes, Hereditary; Hereditary neoplastic syndrome. Identifiers: Orphanet 140162, MedGen C0027672, MeSH D009386, MONDO:0015356.

Allele frequency attached by ClinVar (database versions not stated): gnomAD exomes below 0.00001 and 0.00001; TOPMed 0.00001.
gnomAD v4.1: 2 of 1,613,720 alleles (0.00012%); highest among the groups gnomAD compares: Admixed American, 0.0033%; no homozygotes.

Submissions (5):

Women's Health and Genetics/Laboratory Corporation of America, LabCorp
Classification: Uncertain significance. Last evaluated: 2026-06-19. Review status: criteria provided, single submitter. Criteria: LabCorp Variant Classification Summary - May 2015. Collection method: clinical testing. Allele origin: germline.

Labcorp Genetics (formerly Invitae), Labcorp
Classification: Uncertain significance for Ataxia-telangiectasia syndrome. Last evaluated: 2025-11-11. Review status: criteria provided, single submitter. Criteria: Invitae Variant Classification Sherloc (09022015). Collection method: clinical testing. Allele origin: germline.
Comment: This sequence change replaces threonine, which is neutral and polar, with alanine, which is neutral and non-polar, at codon 1835 of the ATM protein (p.Thr1835Ala). This variant is present in population databases (no rsID available, gnomAD 0.006%). This variant has not been reported in the literature in individuals affected with ATM-related conditions. ClinVar contains an entry for this variant (Variation ID: 998937). Invitae Evidence Modeling of protein sequence and biophysical properties (such as structural, functional, and spatial information, amino acid conservation, physicochemical variation, residue mobility, and thermodynamic stability) indicates that this missense variant is not expected to disrupt ATM protein function with a negative predictive value of 95%. In summary, the available evidence is currently insufficient to determine the role of this variant in disease. Therefore, it has been classified as a Variant of Uncertain Significance.

Ambry Genetics
Classification: Likely benign for Hereditary cancer-predisposing syndrome. Last evaluated: 2023-12-19. Review status: criteria provided, single submitter. Criteria: Ambry Variant Classification Scheme 2023. Collection method: clinical testing. Allele origin: germline.

GeneDx
Classification: Uncertain significance. Last evaluated: 2020-02-06. Review status: criteria provided, single submitter. Criteria: GeneDx Variant Classification Process June 2021. Collection method: clinical testing. Allele origin: germline. Affected: yes.
Comment: In silico analysis supports that this missense variant does not alter protein structure/function; Has not been previously published as pathogenic or benign to our knowledge

Natera, Inc.
Classification: Uncertain significance for Ataxia-telangiectasia. Last evaluated: 2021-02-23. Review status: no assertion criteria provided. Collection method: clinical testing. Allele origin: germline. Not counted in ClinVar's aggregate classification.

NM_000051.4(ATM):c.5503A>G (p.Thr1835Ala)

Gene: ATM (ATM serine/threonine kinase; plus strand). Cytogenetic location: 11q22.3.
Variant type: single nucleotide variant.
Coding change: c.5503A>G on transcript NM_000051.4 (MANE Select); coding-DNA position 5503, A replaced by G.
Protein change: p.Thr1835Ala; replaces threonine 1835 with alanine.
Molecular consequence: missense variant.
Genome position (GRCh38, 1-based): chr11:108,304,681, A>G. VCF-style: chr11-108304681-A-G. GRCh37 (hg19) VCF-style: chr11-108175408-A-G.
Other names: c.5503A>G, p.Thr1835Ala (NM_001351834.2); short protein forms T1835A.
Identifiers: ClinVar variation 998937 (VCV000998937.15), dbSNP rs1034908940, ClinGen allele CA228389655.